The following is an entry in ClinVar:

ClinVar aggregate classification (germline): Uncertain significance. Review status: criteria provided, multiple submitters, no conflicts (2 of 4 stars). 2 submissions from 2 submitters: Uncertain significance (2). Last evaluated 2024-11-20.

Allele frequency attached by ClinVar (database versions not stated): TOPMed 0.00010; gnomAD 0.00011 and 0.00012; ESP Exome Variant Server 0.00015; gnomAD exomes 0.00019 and 0.00031; ExAC 0.00039.
gnomAD v4.1: 468 of 1,608,480 alleles (0.029%); highest among the groups gnomAD compares: Non-Finnish European, 0.036%; 1 homozygote.

Submissions (2):

Blueprint Genetics
Classification: Uncertain significance. Last evaluated: 2024-11-20. Review status: criteria provided, single submitter. Criteria: ACMG Guidelines, 2015. Collection method: clinical testing. Allele origin: germline.

GeneDx
Classification: Uncertain significance. Last evaluated: 2022-01-08. Review status: criteria provided, single submitter. Criteria: GeneDx Variant Classification Process June 2021. Collection method: clinical testing. Allele origin: germline. Affected: yes.
Comment: In silico analysis supports that this missense variant does not alter protein structure/function; Has not been previously published as pathogenic or benign to our knowledge

NM_005559.4(LAMA1):c.2062G>A (p.Val688Ile)

Gene: LAMA1 (laminin subunit alpha 1; minus strand). Cytogenetic location: 18p11.31.
Variant type: single nucleotide variant.
Coding change: c.2062G>A on transcript NM_005559.4 (MANE Select); coding-DNA position 2062, G replaced by A.
Protein change: p.Val688Ile; replaces valine 688 with isoleucine.
Molecular consequence: missense variant.
Genome position (GRCh38, 1-based): chr18:7,033,085, C>T on the plus strand (G>A on the coding strand, the complement: LAMA1 is on the minus strand). VCF-style: chr18-7033085-C-T. GRCh37 (hg19) VCF-style: chr18-7033084-C-T.
Other names: short protein forms V688I.
Identifiers: ClinVar variation 1695574 (VCV001695574.3), dbSNP rs373498964, ClinGen allele CA8882777.
Genomic context (GRCh38, chr18:7,033,085, plus strand): 5'-GCTCCACATCAGCGGCCACCACCAGGTCGATGGCATTAGAGCTGGCTATGTCCAGAGAGA[C>T]GGACTCCAACCTACAAATAGACAGATTGTTATGTGACTCACACGCTCGCAAATACATCTC-3'
Protein context (NP_005550.2, residues 678-698): AKMALYRLES[Val688Ile]SLDIASSNAI